The following is an entry in ClinVar:

NM_023110.3(FGFR1):c.56G>C (p.Cys19Ser)

Gene: FGFR1 (fibroblast growth factor receptor 1; minus strand). Cytogenetic location: 8p11.23.
Variant type: single nucleotide variant.
Coding change: c.56G>C on transcript NM_023110.3 (MANE Select); coding-DNA position 56, G replaced by C.
Protein change: p.Cys19Ser; replaces cysteine 19 with serine.
Molecular consequence: missense variant. On other transcripts: 5 prime UTR variant (1).
Genome position (GRCh38, 1-based): chr8:38,457,391, C>G on the plus strand (G>C on the coding strand, the complement: FGFR1 is on the minus strand). VCF-style: chr8-38457391-C-G. GRCh37 (hg19) VCF-style: chr8-38314909-C-G.
Other names: c.56G>C, p.Cys19Ser (NM_001174063.2, NM_001174065.2, NM_001174066.2 and 7 more transcripts); c.-37G>C (NM_001174064.2); c.155G>C, p.Cys52Ser (NM_001174067.2); short protein forms C19S, C52S.
Identifiers: ClinVar variation 1305727 (VCV001305727.2), dbSNP rs759243486, ClinGen allele CA4718947.
Genomic context (GRCh38, chr8:38,457,391, plus strand): 5'-AGGCTGCCCCCAGCCAGCACCTTACCTTGTTCAGGCAAGGTCGGGGACGGCCTAGCGGTG[C>G]AGAGTGTGGCTGTGACCAGCACAGCCCAGAAGAGGAGGCACTTCCAGCTCCACATCCCAG-3'
Protein context (NP_075598.2, residues 9-29): FWAVLVTATL[Cys19Ser]TARPSPTLPE

ClinVar aggregate classification (germline): Uncertain significance (1 of 4 stars; one submission).

Allele frequency attached by ClinVar (database versions not stated): TOPMed below 0.00001; gnomAD exomes 0.00004; ExAC 0.00005.
gnomAD v4.1: 25 of 1,613,920 alleles (0.0015%); highest among the groups gnomAD compares: South Asian, 0.027%; no homozygotes.

Submission:

GeneDx
Classification: Uncertain significance. Last evaluated: 2019-05-09. Review status: criteria provided, single submitter. Criteria: GeneDx Variant Classification Process June 2021. Collection method: clinical testing. Allele origin: germline. Affected: yes.
Comment: In silico analysis, which includes protein predictors and evolutionary conservation, supports a deleterious effect; Has not been previously published as pathogenic or benign to our knowledge